The following is an entry in ClinVar:

ClinVar aggregate classification (germline): Uncertain significance (1 of 4 stars; one submission).

Conditions:
Hereditary cancer-predisposing syndrome. Also called: Neoplastic Syndromes, Hereditary; Tumor predisposition; Hereditary neoplastic syndrome; Hereditary Cancer Syndrome. Identifiers: Orphanet 140162, MedGen C0027672, MeSH D009386, MONDO:0015356.

Submission:

Ambry Genetics
Classification: Uncertain significance for Hereditary cancer-predisposing syndrome. Last evaluated: 2026-07-06. Review status: criteria provided, single submitter. Criteria: Ambry Variant Classification Scheme 2023. Collection method: clinical testing. Allele origin: germline.
Comment: The p.D614N variant (also known as c.1840G>A), located in coding exon 6 of the AXIN2 gene, results from a G to A substitution at nucleotide position 1840. The aspartic acid at codon 614 is replaced by asparagine, an amino acid with highly similar properties. This amino acid position is conserved. In addition, this alteration is predicted to be tolerated by in silico analysis. Based on the available evidence, the clinical significance of this variant remains unclear.

NM_004655.4(AXIN2):c.1840G>A (p.Asp614Asn)

Gene: AXIN2 (axin 2; minus strand). Cytogenetic location: 17q24.1.
Variant type: single nucleotide variant.
Coding change: c.1840G>A on transcript NM_004655.4 (MANE Select); coding-DNA position 1840, G replaced by A.
Protein change: p.Asp614Asn; replaces aspartic acid 614 with asparagine.
Molecular consequence: missense variant. On other transcripts: intron variant (1).
Genome position (GRCh38, 1-based): chr17:65,536,936, C>T on the plus strand (G>A on the coding strand, the complement: AXIN2 is on the minus strand). VCF-style: chr17-65536936-C-T. GRCh37 (hg19) VCF-style: chr17-63533054-C-T.
Other names: c.1713-383G>A (NM_001363813.1); short protein forms D614N.
Identifiers: ClinVar variation 5032557 (VCV005032557.1).
Genomic context (GRCh38, chr17:65,536,936, plus strand): 5'-GCTTGGGCTTGCTCTGCCGCTCACTCTCCAGCATCCACTGCCAGACATCCTGCGACCTGT[C>T]TCCTTCCTCCCGGGGAAGCTGCAGGGCCCCAGCTCCGCCGGGGGCCCCTCCTTCCCTGGC-3'
Protein context (NP_004646.3, residues 604-624): GALQLPREEG[Asp614Asn]RSQDVWQWML